The following is an entry in ClinVar:

NM_021133.4(RNASEL):c.1896G>A (p.Trp632Ter)

Gene: RNASEL (ribonuclease L; minus strand). Cytogenetic location: 1q25.3.
Variant type: single nucleotide variant.
Coding change: c.1896G>A on transcript NM_021133.4 (MANE Select); coding-DNA position 1896, G replaced by A.
Protein change: p.Trp632Ter; replaces tryptophan 632 with a stop codon.
Molecular consequence: nonsense.
Genome position (GRCh38, 1-based): chr1:182,581,234, C>T on the plus strand (G>A on the coding strand, the complement: RNASEL is on the minus strand). VCF-style: chr1-182581234-C-T. GRCh37 (hg19) VCF-style: chr1-182550369-C-T.
Other names: short protein forms W632*.
Identifiers: ClinVar variation 4852607 (VCV004852607.2).

ClinVar aggregate classification (germline): Likely pathogenic (1 of 4 stars; one submission).

Submission:

Dasa
Classification: Likely pathogenic. Last evaluated: 2026-01-21. Review status: criteria provided, single submitter. Criteria: DASA Assertion Criteria. Collection method: clinical testing. Allele origin: germline.
Comment: NM_021133.4(RNASEL):c.1896G>A (p.Trp632*) is a nonsense variant in RNASEL predicted to introduce a premature termination codon and is predicted to result in an absent or altered protein product. Loss of function is an established disease mechanism for RNASEL-associated disorders. Also, this variant is rare in population databases. Based on the currently available evidence, this variant is classified as likely pathogenic.